The following is an entry in ClinVar:

NM_001042492.3(NF1):c.2170_2191del (p.Asp724fs)

Gene: NF1 (neurofibromin 1; plus strand). Cytogenetic location: 17q11.2.
Variant type: Deletion.
Coding change: c.2170_2191del on transcript NM_001042492.3 (MANE Select); coding-DNA positions 2170 to 2191, 22 bases deleted (GATGAAGTGTCAGTGCATAACC).
Protein change: p.Asp724fs; shifts the reading frame from aspartic acid 724.
Molecular consequence: frameshift variant.
Genome position (GRCh38, 1-based): chr17:31,226,603-31,226,624, GATGAAGTGTCAGTGCATAACC deleted. VCF-style (leftmost placement, unchanged base first): chr17-31226602-GGATGAAGTGTCAGTGCATAACC-G. GRCh37 (hg19) VCF-style: chr17-29553620-GGATGAAGTGTCAGTGCATAACC-G.
Other names: c.2170_2191del22, p.Asp724Serfs (NM_000267.4); short protein forms D724fs.
Identifiers: ClinVar variation 3657517 (VCV003657517.2).

ClinVar aggregate classification (germline): Pathogenic (1 of 4 stars; one submission).

Conditions:
Neurofibromatosis, type 1 (NF1). Also called: Peripheral type neurofibromatosis; VON RECKLINGHAUSEN DISEASE; NEUROFIBROMATOSIS, TYPE I, SOMATIC; Neurofibromatosis, type I. Identifiers: Orphanet 636, MedGen C0027831, MONDO:0018975, OMIM 162200. Disease mechanism: loss of function.

Submission:

Labcorp Genetics (formerly Invitae), Labcorp
Classification: Pathogenic for Neurofibromatosis, type 1. Last evaluated: 2024-06-23. Review status: criteria provided, single submitter. Criteria: Invitae Variant Classification Sherloc (09022015). Collection method: clinical testing. Allele origin: germline.
Comment: This sequence change creates a premature translational stop signal (p.Asp724Serfs*17) in the NF1 gene. It is expected to result in an absent or disrupted protein product. Loss-of-function variants in NF1 are known to be pathogenic (PMID: 10712197, 23913538). This variant is not present in population databases (gnomAD no frequency). This variant has not been reported in the literature in individuals affected with NF1-related conditions. For these reasons, this variant has been classified as Pathogenic.

Literature cited by the submitters: PubMed 10712197; PubMed 23913538.